The following is an entry in ClinVar:

NM_005548.3(KARS1):c.699C>G (p.Asp233Glu)

Gene: KARS1 (lysyl-tRNA synthetase 1; minus strand). Cytogenetic location: 16q23.1.
Variant type: single nucleotide variant.
Coding change: c.699C>G on transcript NM_005548.3 (MANE Select); coding-DNA position 699, C replaced by G.
Protein change: p.Asp233Glu; replaces aspartic acid 233 with glutamic acid.
Molecular consequence: missense variant.
Genome position (GRCh38, 1-based): chr16:75,635,776, G>C on the plus strand (C>G on the coding strand, the complement: KARS1 is on the minus strand). VCF-style: chr16-75635776-G-C. GRCh37 (hg19) VCF-style: chr16-75669674-G-C.
Other names: c.783C>G, p.Asp261Glu (NM_001130089.2); c.231C>G, p.Asp77Glu (NM_001378148.1); short protein forms D233E, D261E, D77E.
Identifiers: ClinVar variation 2429527 (VCV002429527.1), dbSNP rs1466024588, ClinGen allele CA396813527.
Genomic context (GRCh38, chr16:75,635,776, plus strand): 5'-ATATGTGATGATCTTAGAGCGGATGATAAATTTCTGCCTCACAAAGTCATTCAGGATCAA[G>C]TCCAAGTATCTCTGGCGATACCTTGTTTCCTAAACCAAAAGCAGCAGTTAGAAATCACTG-3'
Protein context (NP_005539.1, residues 223-243): KETRYRQRYL[Asp233Glu]LILNDFVRQK

ClinVar aggregate classification (germline): Uncertain significance (1 of 4 stars; one submission).

Allele frequency attached by ClinVar (database versions not stated): gnomAD exomes 0.00001.
gnomAD v4.1: 4 of 1,614,160 alleles (0.00025%); highest among the groups gnomAD compares: Non-Finnish European, 0.00034%; no homozygotes.

Submission:

GeneDx
Classification: Uncertain significance. Last evaluated: 2022-08-08. Review status: criteria provided, single submitter. Criteria: GeneDx Variant Classification Process June 2021. Collection method: clinical testing. Allele origin: germline. Affected: yes.
Comment: Not observed at significant frequency in large population cohorts (gnomAD); In silico analysis supports that this missense variant has a deleterious effect on protein structure/function; Has not been previously published as pathogenic or benign to our knowledge